The following is an entry in ClinVar:

ClinVar aggregate classification (germline): Uncertain significance (1 of 4 stars; one submission).

Allele frequency attached by ClinVar (database versions not stated): gnomAD exomes below 0.00001.
gnomAD v4.1: 1 of 1,610,474 alleles (0.000062%); highest among the groups gnomAD compares: Non-Finnish European, 0.000085%; no homozygotes.

Submission:

Laboratory for Molecular Medicine, Mass General Brigham Personalized Medicine
Classification: Uncertain significance. Last evaluated: 2019-10-02. Review status: criteria provided, single submitter. Criteria: LMM Criteria. Collection method: clinical testing. Allele origin: germline. Observed: 2 variant alleles.
Comment: Variant classified as Uncertain Significance - Favor Benign. It was absent from large population studies. Computational prediction tools and conservation analysis suggest that this variant may not impact the protein, though this information is not predictive enough to rule out pathogenicity. In summary, while the clinical significance of this variant is uncertain, it's identification in an unaffected individual suggests it is more likely to be benign. ACMG/AMP Criteria applied: PM2, BP4.

NM_007118.4(TRIO):c.3562A>G (p.Thr1188Ala)

Gene: TRIO (trio Rho guanine nucleotide exchange factor; plus strand). Cytogenetic location: 5p15.2.
Variant type: single nucleotide variant.
Coding change: c.3562A>G on transcript NM_007118.4 (MANE Select); coding-DNA position 3562, A replaced by G.
Protein change: p.Thr1188Ala; replaces threonine 1188 with alanine.
Molecular consequence: missense variant. On other transcripts: non-coding transcript variant (1).
Genome position (GRCh38, 1-based): chr5:14,381,244, A>G. VCF-style: chr5-14381244-A-G. GRCh37 (hg19) VCF-style: chr5-14381353-A-G.
Other names: short protein forms T1188A.
Identifiers: ClinVar variation 930170 (VCV000930170.4), dbSNP rs1746074176, ClinGen allele CA359223321.